The following is an entry in ClinVar:

NM_000195.5(HPS1):c.79del (p.Arg27fs)

Gene: HPS1 (HPS1 biogenesis of lysosomal organelles complex 3 subunit 1; minus strand). Cytogenetic location: 10q24.2.
Variant type: Deletion.
Coding change: c.79del on transcript NM_000195.5 (MANE Select); coding-DNA position 79, one base deleted (C; older notation c.79delC).
Protein change: p.Arg27fs; shifts the reading frame from arginine 27.
Molecular consequence: frameshift variant. On other transcripts: 5 prime UTR variant (6).
Genome position (GRCh38, 1-based): chr10:98,443,162, G deleted on the plus strand (C on the coding strand, the reverse complement: HPS1 is on the minus strand); the first of 2 consecutive G bases (chr10:98,443,162-98,443,163); deleting either gives the same sequence. VCF-style (leftmost placement, unchanged base first): chr10-98443161-CG-C. GRCh37 (hg19) VCF-style: chr10-100202918-CG-C.
Other names: c.-838del (NM_001311345.2); c.79del, p.Arg27fs (NM_001322476.2, NM_001322477.2, NM_001322478.2 and 8 more transcripts); c.-148del (NM_001322483.2, NM_001322484.2, NM_001322485.2); c.-937del (NM_001322487.2); c.-695del (NM_001322489.2); short protein forms R27fs.
Identifiers: ClinVar variation 2702975 (VCV002702975.3), dbSNP rs2539077004, ClinGen allele CA2697558705.

ClinVar aggregate classification (germline): Pathogenic (1 of 4 stars; one submission).

Submission:

Labcorp Genetics (formerly Invitae), Labcorp
Classification: Pathogenic. Last evaluated: 2023-12-13. Review status: criteria provided, single submitter. Criteria: Invitae Variant Classification Sherloc (09022015). Collection method: clinical testing. Allele origin: germline.
Comment: This sequence change creates a premature translational stop signal (p.Arg27Glyfs*2) in the HPS1 gene. It is expected to result in an absent or disrupted protein product. Loss-of-function variants in HPS1 are known to be pathogenic (PMID: 12442288, 16185271). This variant is not present in population databases (gnomAD no frequency). This variant has not been reported in the literature in individuals affected with HPS1-related conditions. For these reasons, this variant has been classified as Pathogenic.

Literature cited by the submitters: PubMed 12442288; PubMed 16185271.